The following is an entry in ClinVar:

ClinVar aggregate classification (germline): Uncertain significance (1 of 4 stars; one submission).

Conditions:
Rhabdoid tumor predisposition syndrome 2 (RTPS2). Identifiers: Orphanet 231108, Orphanet 69077, MedGen C2750074, MONDO:0013224, OMIM 613325.

Submission:

Labcorp Genetics (formerly Invitae), Labcorp
Classification: Uncertain significance for Rhabdoid tumor predisposition syndrome 2. Last evaluated: 2023-09-03. Review status: criteria provided, single submitter. Criteria: Invitae Variant Classification Sherloc (09022015). Collection method: clinical testing. Allele origin: germline.
Comment: This variant has not been reported in the literature in individuals affected with SMARCA4-related conditions. In summary, the available evidence is currently insufficient to determine the role of this variant in disease. Therefore, it has been classified as a Variant of Uncertain Significance. An algorithm developed to predict the effect of missense changes on protein structure and function (PolyPhen-2) suggests that this variant is likely to be tolerated. ClinVar contains an entry for this variant (Variation ID: 537784). This variant is not present in population databases (gnomAD no frequency). This sequence change replaces methionine, which is neutral and non-polar, with threonine, which is neutral and polar, at codon 1317 of the SMARCA4 protein (p.Met1317Thr).

NM_003072.5(SMARCA4):c.3950T>C (p.Met1317Thr)

Gene: SMARCA4 (SWI/SNF related BAF chromatin remodeling complex subunit ATPase 4; plus strand). Cytogenetic location: 19p13.2.
Variant type: single nucleotide variant.
Coding change: c.3950T>C on transcript NM_003072.5 (MANE Select); coding-DNA position 3950, T replaced by C.
Protein change: p.Met1317Thr; replaces methionine 1317 with threonine.
Molecular consequence: missense variant. On other transcripts: non-coding transcript variant (1).
Genome position (GRCh38, 1-based): chr19:11,034,199, T>C. VCF-style: chr19-11034199-T-C. GRCh37 (hg19) VCF-style: chr19-11144875-T-C.
Other names: c.3950T>C, p.Met1317Thr (NM_001128844.3, NM_001128849.3, NM_001387283.1); c.3851T>C, p.Met1284Thr (NM_001128845.2, NM_001128846.2, NM_001128847.4 and 2 more transcripts); short protein forms M1317T, M1284T.
Identifiers: ClinVar variation 537784 (VCV000537784.8), dbSNP rs1555785051, ClinGen allele CA404067962.
Genomic context (GRCh38, chr19:11,034,199, plus strand): 5'-CCGACGACGAGACCGTCAACCAGATGATCGCCCGGCACGAGGAGGAGTTTGATCTGTTCA[T>C]GGTAAGCGCTGCAGGCTGGATGGGGCAGTTCAGGCATCCCACTCTGCTGCCACCAGGAGC-3'
Protein context (NP_003063.2, residues 1307-1327): ARHEEEFDLF[Met1317Thr]RMDLDRRREE